The following is an entry in ClinVar:

NM_013352.4(DSE):c.2168G>A (p.Arg723Gln)

Gene: DSE (dermatan sulfate epimerase; plus strand). Cytogenetic location: 6q22.1.
Variant type: single nucleotide variant.
Coding change: c.2168G>A on transcript NM_013352.4 (MANE Select); coding-DNA position 2168, G replaced by A.
Protein change: p.Arg723Gln; replaces arginine 723 with glutamine.
Molecular consequence: missense variant. On other transcripts: 3 prime UTR variant (2), non-coding transcript variant (1).
Genome position (GRCh38, 1-based): chr6:116,436,636, G>A. VCF-style: chr6-116436636-G-A. GRCh37 (hg19) VCF-style: chr6-116757799-G-A.
Other names: c.2168G>A, p.Arg723Gln (NM_001080976.3, NM_001322937.2, NM_001322938.2); c.2225G>A, p.Arg742Gln (NM_001322939.2); c.1607G>A, p.Arg536Gln (NM_001322940.2, NM_001322941.2); c.*1033G>A (NM_001322943.2, NM_001322944.2); c.1169G>A, p.Arg390Gln (NM_001374520.1); c.1133G>A, p.Arg378Gln (NM_001374521.1); short protein forms R723Q, R536Q, R742Q, R390Q, R378Q.
Identifiers: ClinVar variation 452829 (VCV000452829.10), dbSNP rs371043332, ClinGen allele CA3969774.

ClinVar aggregate classification (germline): Conflicting classifications of pathogenicity. Review status: criteria provided, conflicting classifications (1 of 4 stars). 5 submissions from 5 submitters: Uncertain significance (4); Likely benign (1). Last evaluated 2026-10-07.

Conditions:
Ehlers-Danlos syndrome, musculocontractural type 2 (EDSMC2). Identifiers: Orphanet 2953, MedGen C3809845, MONDO:0014236, OMIM 615539.
Inborn genetic diseases. Identifiers: MedGen C0950123, MeSH D030342.

Allele frequency attached by ClinVar (database versions not stated): gnomAD exomes 0.00010 and 0.00013; ESP Exome Variant Server 0.00008; gnomAD 0.00011; ExAC 0.00019; TOPMed 0.00008.
gnomAD v4.1: 165 of 1,613,986 alleles (0.01%); highest among the groups gnomAD compares: Middle Eastern, 0.016%; no homozygotes.

Submissions (5):

GeneDx
Classification: Uncertain significance. Last evaluated: 2026-10-07. Review status: criteria provided, single submitter. Criteria: GeneDx Variant Classification Process June 2021. Collection method: clinical testing. Allele origin: germline.
Comment: In silico analysis suggests that this missense variant does not alter protein structure/function; Has not been previously published as pathogenic or benign to our knowledge

Women's Health and Genetics/Laboratory Corporation of America, LabCorp
Classification: Uncertain significance. Last evaluated: 2025-11-26. Review status: criteria provided, single submitter. Criteria: LabCorp Variant Classification Summary - May 2015. Collection method: clinical testing. Allele origin: germline.
Comment: Variant summary: DSE c.2168G>A (p.Arg723Gln) results in a conservative amino acid change in the encoded protein sequence. Algorithms developed to predict the effect of missense changes on protein structure and function all suggest that this variant is likely to be tolerated. The variant allele was found at a frequency of 0.00013 in 250844 control chromosomes. This frequency is not significantly higher than estimated for disease-causing variants in DSE, allowing no conclusion about variant significance. To our knowledge, no occurrence of c.2168G>A in individuals affected with DSE-related conditions and no experimental evidence demonstrating its impact on protein function have been reported. ClinVar contains an entry for this variant (Variation ID: 452829). Based on the evidence outlined above, the variant was classified as uncertain significance.

Labcorp Genetics (formerly Invitae), Labcorp
Classification: Uncertain significance for Ehlers-Danlos syndrome, musculocontractural type 2. Last evaluated: 2022-07-05. Review status: criteria provided, single submitter. Criteria: Invitae Variant Classification Sherloc (09022015). Collection method: clinical testing. Allele origin: germline.
Comment: This sequence change replaces arginine, which is basic and polar, with glutamine, which is neutral and polar, at codon 723 of the DSE protein (p.Arg723Gln). This variant is present in population databases (rs371043332, gnomAD 0.02%). This variant has not been reported in the literature in individuals affected with DSE-related conditions. ClinVar contains an entry for this variant (Variation ID: 452829). Algorithms developed to predict the effect of missense changes on protein structure and function output the following: SIFT: "Not Available"; PolyPhen-2: "Benign"; Align-GVGD: "Not Available". The glutamine amino acid residue is found in multiple mammalian species, which suggests that this missense change does not adversely affect protein function. In summary, the available evidence is currently insufficient to determine the role of this variant in disease. Therefore, it has been classified as a Variant of Uncertain Significance.

Ambry Genetics
Classification: Likely benign for Inborn genetic diseases. Last evaluated: 2021-12-07. Review status: criteria provided, single submitter. Criteria: Ambry Variant Classification Scheme 2023. Collection method: clinical testing. Allele origin: germline.

Revvity Omics, Revvity
Classification: Uncertain significance for Ehlers-Danlos syndrome, musculocontractural type 2. Last evaluated: 2020-04-29. Review status: criteria provided, single submitter. Criteria: ACMG Guidelines, 2015. Collection method: clinical testing. Allele origin: germline.